The following is an entry in ClinVar:

NM_004958.4(MTOR):c.3154A>G (p.Ile1052Val)

Gene: MTOR (mechanistic target of rapamycin kinase; minus strand). Cytogenetic location: 1p36.22.
Variant type: single nucleotide variant.
Coding change: c.3154A>G on transcript NM_004958.4 (MANE Select); coding-DNA position 3154, A replaced by G.
Protein change: p.Ile1052Val; replaces isoleucine 1052 with valine.
Molecular consequence: missense variant.
Genome position (GRCh38, 1-based): chr1:11,213,530, T>C on the plus strand (A>G on the coding strand, the complement: MTOR is on the minus strand). VCF-style: chr1-11213530-T-C. GRCh37 (hg19) VCF-style: chr1-11273587-T-C.
Other names: c.3154A>G, p.Ile1052Val (NM_001386500.1); c.1906A>G, p.Ile636Val (NM_001386501.1); short protein forms I636V, I1052V.
Identifiers: ClinVar variation 1038086 (VCV001038086.8), dbSNP rs780118509, ClinGen allele CA590291.

ClinVar aggregate classification (germline): Uncertain significance (1 of 4 stars; one submission).

Allele frequency attached by ClinVar (database versions not stated): gnomAD exomes below 0.00001; ExAC 0.00001; gnomAD 0.00001.
gnomAD v4.1: 2 of 1,614,010 alleles (0.00012%); highest among the groups gnomAD compares: East Asian, 0.0045%; no homozygotes.

Submission:

Labcorp Genetics (formerly Invitae), Labcorp
Classification: Uncertain significance. Last evaluated: 2025-09-08. Review status: criteria provided, single submitter. Criteria: Invitae Variant Classification Sherloc (09022015). Collection method: clinical testing. Allele origin: germline.
Comment: This sequence change replaces isoleucine, which is neutral and non-polar, with valine, which is neutral and non-polar, at codon 1052 of the MTOR protein (p.Ile1052Val). This variant is present in population databases (rs780118509, gnomAD 0.006%). This variant has not been reported in the literature in individuals affected with MTOR-related conditions. ClinVar contains an entry for this variant (Variation ID: 1038086). Invitae Evidence Modeling of protein sequence and biophysical properties (such as structural, functional, and spatial information, amino acid conservation, physicochemical variation, residue mobility, and thermodynamic stability) indicates that this missense variant is not expected to disrupt MTOR protein function with a negative predictive value of 95%. In summary, the available evidence is currently insufficient to determine the role of this variant in disease. Therefore, it has been classified as a Variant of Uncertain Significance.